The following is an entry in ClinVar:

ClinVar aggregate classification (germline): Likely benign (0 of 4 stars; one submission).

Conditions:
SIM1-related disorder. Also called: SIM1-related condition; SIM1-related disorders.

gnomAD v4.1: 7 of 1,613,568 alleles (0.00043%); highest among the groups gnomAD compares: African/African-American, 0.008%; no homozygotes.

Submission:

PreventionGenetics, part of Exact Sciences
Classification: Likely benign for SIM1-related condition. Last evaluated: 2022-11-04. Review status: no assertion criteria provided. Collection method: clinical testing. Allele origin: germline.
Comment: This variant is classified as likely benign based on ACMG/AMP sequence variant interpretation guidelines (Richards et al. 2015 PMID: 25741868, with internal and published modifications).

NM_005068.3(SIM1):c.447C>T (p.His149=)

Gene: SIM1 (SIM bHLH transcription factor 1; minus strand). Cytogenetic location: 6q16.3.
Variant type: single nucleotide variant.
Coding change: c.447C>T on transcript NM_005068.3 (MANE Select); coding-DNA position 447, C replaced by T.
Protein change: p.His149=; no amino-acid change (histidine 149 retained).
Molecular consequence: synonymous variant.
Genome position (GRCh38, 1-based): chr6:100,449,601, G>A on the plus strand (C>T on the coding strand, the complement: SIM1 is on the minus strand). VCF-style: chr6-100449601-G-A. GRCh37 (hg19) VCF-style: chr6-100897477-G-A.
Other names: c.447C>T, p.His149= (NM_001374769.1).
Identifiers: ClinVar variation 3358055 (VCV003358055.1).